The following is an entry in ClinVar:

NM_173354.5(SIK1):c.74G>T (p.Gly25Val)

Gene: SIK1 (salt inducible kinase 1; minus strand). Cytogenetic location: 21q22.3.
Variant type: single nucleotide variant.
Coding change: c.74G>T on transcript NM_173354.5 (MANE Select); coding-DNA position 74, G replaced by T.
Protein change: p.Gly25Val; replaces glycine 25 with valine.
Molecular consequence: missense variant.
Genome position (GRCh38, 1-based): chr21:43,426,105, C>A on the plus strand (G>T on the coding strand, the complement: SIK1 is on the minus strand). VCF-style: chr21-43426105-C-A. GRCh37 (hg19) VCF-style: chr21-44845985-C-A.
Other names: short protein forms G25V.
Identifiers: ClinVar variation 1507186 (VCV001507186.8), dbSNP rs2146476447, ClinGen allele CA410611068.
Genomic context (GRCh38, chr21:43,426,105, plus strand): 5'-CGCGCCAGCTTCACCACCGCGAAGTTGCCTTTGCCCAGGGTCCGCTCGATGTCGTAAAAA[C>A]CCACCCGGAGGGGCTTCTGCTGGCCCTGACCCTGGCCCGCGGGGTCCGCGCTGAACTCCG-3'
Protein context (NP_775490.2, residues 15-35): GQGQQKPLRV[Gly25Val]FYDIERTLGK

ClinVar aggregate classification (germline): Uncertain significance (1 of 4 stars; one submission).

Conditions:
Developmental and epileptic encephalopathy, 30 (DEE30). Also called: Epileptic encephalopathy, early infantile, 30. Identifiers: MedGen C4225360, MONDO:0014595, OMIM 616341.

Submission:

Labcorp Genetics (formerly Invitae), Labcorp
Classification: Uncertain significance for Developmental and epileptic encephalopathy, 30. Last evaluated: 2022-09-22. Review status: criteria provided, single submitter. Criteria: Invitae Variant Classification Sherloc (09022015). Collection method: clinical testing. Allele origin: germline.
Comment: This variant is not present in population databases (gnomAD no frequency). This variant has not been reported in the literature in individuals affected with SIK1-related conditions. ClinVar contains an entry for this variant (Variation ID: 1507186). Advanced modeling of protein sequence and biophysical properties (such as structural, functional, and spatial information, amino acid conservation, physicochemical variation, residue mobility, and thermodynamic stability) performed at Invitae indicates that this missense variant is not expected to disrupt SIK1 protein function. In summary, the available evidence is currently insufficient to determine the role of this variant in disease. Therefore, it has been classified as a Variant of Uncertain Significance. This sequence change replaces glycine, which is neutral and non-polar, with valine, which is neutral and non-polar, at codon 25 of the SIK1 protein (p.Gly25Val).